The following is an entry in ClinVar:

NM_020919.4(ALS2):c.3486A>C (p.Gly1162=)

Gene: ALS2 (alsin Rho guanine nucleotide exchange factor ALS2; minus strand). Cytogenetic location: 2q33.1.
Variant type: single nucleotide variant.
Coding change: c.3486A>C on transcript NM_020919.4 (MANE Select); coding-DNA position 3486, A replaced by C.
Protein change: p.Gly1162=; no amino-acid change (glycine 1162 retained).
Molecular consequence: synonymous variant.
Genome position (GRCh38, 1-based): chr2:201,724,321, T>G on the plus strand (A>C on the coding strand, the complement: ALS2 is on the minus strand). VCF-style: chr2-201724321-T-G. GRCh37 (hg19) VCF-style: chr2-202589044-T-G.
Identifiers: ClinVar variation 533750 (VCV000533750.10), dbSNP rs41309044, ClinGen allele CA2057872.

ClinVar aggregate classification (germline): Likely benign. Review status: criteria provided, multiple submitters, no conflicts (2 of 4 stars). 2 submissions from 2 submitters: Likely benign (2). Last evaluated 2026-07-15.

Conditions:
Infantile-onset ascending hereditary spastic paralysis (IAHSP). Also called: Autosomal Recessive Juvenile Amyotrophic Lateral Sclerosis; Infantile-Onset Ascending Hereditary Spastic Paralysis (IAHSP). Identifiers: Orphanet 293168, MedGen C2931441, MONDO:0011797, OMIM 607225. Disease mechanism: loss of function.
ALS2-related disorder. Also called: ALS2-Related Spectrum Disorders; ALS2-related disorders; ALS2-related condition. Identifiers: MedGen CN169291.

Allele frequency attached by ClinVar (database versions not stated): gnomAD exomes 0.00003 and 0.00011; gnomAD 0.00006 and 0.00011; TOPMed 0.00010; ExAC 0.00012; 1000 Genomes Project 30x 0.00047; 1000 Genomes Project 0.00060.
gnomAD v4.1: 70 of 1,614,002 alleles (0.0043%); highest among the groups gnomAD compares: East Asian, 0.091%; no homozygotes.

Submissions (2):

PreventionGenetics, part of Exact Sciences
Classification: Likely benign for ALS2-related condition. Last evaluated: 2026-07-15. Review status: criteria provided, single submitter. Criteria: ACMG Guidelines, 2015. Collection method: clinical testing. Allele origin: germline.
Comment: This variant is classified as likely benign based on ACMG/AMP sequence variant interpretation guidelines (Richards et al. 2015 PMID: 25741868, with internal and published modifications).

Labcorp Genetics (formerly Invitae), Labcorp
Classification: Likely benign for Infantile-onset ascending hereditary spastic paralysis. Last evaluated: 2025-07-31. Review status: criteria provided, single submitter. Criteria: Invitae Variant Classification Sherloc (09022015). Collection method: clinical testing. Allele origin: germline.